The following is an entry in ClinVar:

ClinVar aggregate classification (germline): Uncertain significance (1 of 4 stars; one submission).

Allele frequency attached by ClinVar (database versions not stated): gnomAD exomes below 0.00001; TOPMed below 0.00001.

Submission:

Labcorp Genetics (formerly Invitae), Labcorp
Classification: Uncertain significance. Last evaluated: 2022-06-13. Review status: criteria provided, single submitter. Criteria: Invitae Variant Classification Sherloc (09022015). Collection method: clinical testing. Allele origin: germline.
Comment: In summary, the available evidence is currently insufficient to determine the role of this variant in disease. Therefore, it has been classified as a Variant of Uncertain Significance. Algorithms developed to predict the effect of missense changes on protein structure and function are either unavailable or do not agree on the potential impact of this missense change (SIFT: "Deleterious"; PolyPhen-2: "Benign"; Align-GVGD: "Class C25"). This variant has not been reported in the literature in individuals affected with TUBA8-related conditions. This variant is present in population databases (no rsID available, gnomAD 0.003%). This sequence change replaces arginine, which is basic and polar, with histidine, which is basic and polar, at codon 156 of the TUBA8 protein (p.Arg156His).

NM_018943.3(TUBA8):c.467G>A (p.Arg156His)

Gene: TUBA8 (tubulin alpha 8; plus strand). Cytogenetic location: 22q11.21.
Variant type: single nucleotide variant.
Coding change: c.467G>A on transcript NM_018943.3 (MANE Select); coding-DNA position 467, G replaced by A.
Protein change: p.Arg156His; replaces arginine 156 with histidine.
Molecular consequence: missense variant.
Genome position (GRCh38, 1-based): chr22:18,126,445, G>A. VCF-style: chr22-18126445-G-A. GRCh37 (hg19) VCF-style: chr22-18609212-G-A.
Other names: c.269G>A, p.Arg90His (NM_001193414.2); short protein forms R156H, R90H.
Identifiers: ClinVar variation 1382791 (VCV001382791.6), dbSNP rs1354067751, ClinGen allele CA410263036.
Genomic context (GRCh38, chr22:18,126,445, plus strand): 5'-TGATTTTCCACAGTTTTGGTGGGGGCACTGGCTCCGGCTTCACTTCTCTGCTGATGGAAC[G>A]CCTCTCCCTGGATTATGGCAAGAAATCCAAGCTGGAGTTTGCCATCTACCCAGCCCCCCA-3'
Protein context (NP_061816.1, residues 146-166): GSGFTSLLME[Arg156His]LSLDYGKKSK